The following is an entry in ClinVar:

ClinVar aggregate classification (germline): Uncertain significance (1 of 4 stars; one submission).

Conditions:
Syndromic multisystem autoimmune disease due to ITCH deficiency. Also called: AUTOIMMUNE DISEASE, MULTISYSTEM, WITH FACIAL DYSMORPHISM. Identifiers: Orphanet 228426, MedGen C3150649, MONDO:0013245, OMIM 613385.

Allele frequency attached by ClinVar (database versions not stated): gnomAD 0.00001; gnomAD exomes 0.00001; TOPMed 0.00002.
gnomAD v4.1: 21 of 1,614,002 alleles (0.0013%); highest among the groups gnomAD compares: East Asian, 0.0067%; no homozygotes.

Submission:

Labcorp Genetics (formerly Invitae), Labcorp
Classification: Uncertain significance for Syndromic multisystem autoimmune disease due to ITCH deficiency. Last evaluated: 2022-03-12. Review status: criteria provided, single submitter. Criteria: Invitae Variant Classification Sherloc (09022015). Collection method: clinical testing. Allele origin: germline.
Comment: This sequence change replaces arginine, which is basic and polar, with glycine, which is neutral and non-polar, at codon 214 of the ITCH protein (p.Arg214Gly). This variant is present in population databases (no rsID available, gnomAD 0.02%). This variant has not been reported in the literature in individuals affected with ITCH-related conditions. Algorithms developed to predict the effect of missense changes on protein structure and function are either unavailable or do not agree on the potential impact of this missense change (SIFT: "Not Available"; PolyPhen-2: "Probably Damaging"; Align-GVGD: "Not Available"). In summary, the available evidence is currently insufficient to determine the role of this variant in disease. Therefore, it has been classified as a Variant of Uncertain Significance.

NM_031483.7(ITCH):c.640A>G (p.Arg214Gly)

Gene: ITCH (itchy E3 ubiquitin protein ligase; plus strand). Cytogenetic location: 20q11.22.
Variant type: single nucleotide variant.
Coding change: c.640A>G on transcript NM_031483.7 (MANE Select); coding-DNA position 640, A replaced by G.
Protein change: p.Arg214Gly; replaces arginine 214 with glycine.
Molecular consequence: missense variant.
Genome position (GRCh38, 1-based): chr20:34,438,592, A>G. VCF-style: chr20-34438592-A-G. GRCh37 (hg19) VCF-style: chr20-33026397-A-G.
Other names: c.763A>G, p.Arg255Gly (NM_001257137.3, NM_001324197.2); c.310A>G, p.Arg104Gly (NM_001257138.3); c.640A>G, p.Arg214Gly (NM_001324198.2); short protein forms R104G, R214G, R255G.
Identifiers: ClinVar variation 2056515 (VCV002056515.1), dbSNP rs1268272734, ClinGen allele CA408662740.